The following is an entry in ClinVar:

NM_001122769.3(LCA5):c.1157T>G (p.Met386Arg)

Gene: LCA5 (lebercilin LCA5; minus strand). Cytogenetic location: 6q14.1.
Variant type: single nucleotide variant.
Coding change: c.1157T>G on transcript NM_001122769.3 (MANE Select); coding-DNA position 1157, T replaced by G.
Protein change: p.Met386Arg; replaces methionine 386 with arginine.
Molecular consequence: missense variant.
Genome position (GRCh38, 1-based): chr6:79,489,158, A>C on the plus strand (T>G on the coding strand, the complement: LCA5 is on the minus strand). VCF-style: chr6-79489158-A-C. GRCh37 (hg19) VCF-style: chr6-80198875-A-C.
Other names: c.1157T>G, p.Met386Arg (NM_181714.4); short protein forms M386R.
Identifiers: ClinVar variation 970502 (VCV000970502.9), dbSNP rs372872674, ClinGen allele CA3900900.

ClinVar aggregate classification (germline): Uncertain significance. Review status: criteria provided, multiple submitters, no conflicts (2 of 4 stars). 6 submissions from 6 submitters: Uncertain significance (5). 1 of the submissions does not count toward it. Last evaluated 2026-08-18.

Conditions:
Leber congenital amaurosis 5 (LCA5). Also called: Amaurosis congenita of Leber, type 5. Identifiers: Orphanet 65, MedGen C1858301, MONDO:0011473, OMIM 604537.
LCA5-related disorder. Also called: LCA5-related condition.
Inborn genetic diseases. Identifiers: MedGen C0950123, MeSH D030342.

Allele frequency attached by ClinVar (database versions not stated): ESP Exome Variant Server 0.00008; gnomAD 0.00002; TOPMed 0.00002; ExAC 0.00003.
gnomAD v4.1: 52 of 1,612,810 alleles (0.0032%); highest among the groups gnomAD compares: Middle Eastern, 0.049%; no homozygotes.

Submissions (6):

PreventionGenetics, part of Exact Sciences
Classification: Uncertain significance for LCA5-related condition. Last evaluated: 2026-08-18. Review status: criteria provided, single submitter. Criteria: ACMG Guidelines, 2015. Collection method: clinical testing. Allele origin: germline.
Comment: The LCA5 c.1157T>G variant is predicted to result in the amino acid substitution p.Met386Arg. To our knowledge, this variant has not been reported in the literature. This variant is reported in 0.0053% of alleles in individuals of European (Non-Finnish) descent in gnomAD. At this time, the clinical significance of this variant is uncertain due to the absence of conclusive functional and genetic evidence.

Ambry Genetics
Classification: Uncertain significance for Inborn genetic diseases. Last evaluated: 2025-08-12. Review status: criteria provided, single submitter. Criteria: Ambry Variant Classification Scheme 2023. Collection method: clinical testing. Allele origin: germline.

GeneDx
Classification: Uncertain significance. Last evaluated: 2024-09-03. Review status: criteria provided, single submitter. Criteria: GeneDx Variant Classification Process June 2021. Collection method: clinical testing. Allele origin: germline. Affected: yes.
Comment: In silico analysis indicates that this missense variant does not alter protein structure/function; Has not been previously published as pathogenic or benign to our knowledge

Blueprint Genetics
Classification: Uncertain significance. Last evaluated: 2023-03-14. Review status: criteria provided, single submitter. Criteria: ACMG Guidelines, 2015. Collection method: clinical testing. Allele origin: germline.

Labcorp Genetics (formerly Invitae), Labcorp
Classification: Uncertain significance. Last evaluated: 2022-04-06. Review status: criteria provided, single submitter. Criteria: Invitae Variant Classification Sherloc (09022015). Collection method: clinical testing. Allele origin: germline.
Comment: This sequence change replaces methionine, which is neutral and non-polar, with arginine, which is basic and polar, at codon 386 of the LCA5 protein (p.Met386Arg). This variant is present in population databases (rs372872674, gnomAD 0.004%). This variant has not been reported in the literature in individuals affected with LCA5-related conditions. ClinVar contains an entry for this variant (Variation ID: 970502). Algorithms developed to predict the effect of missense changes on protein structure and function are either unavailable or do not agree on the potential impact of this missense change (SIFT: "Deleterious"; PolyPhen-2: "Benign"; Align-GVGD: "Class C0"). Algorithms developed to predict the effect of sequence changes on RNA splicing suggest that this variant may create or strengthen a splice site. In summary, the available evidence is currently insufficient to determine the role of this variant in disease. Therefore, it has been classified as a Variant of Uncertain Significance.

Natera, Inc.
Classification: Uncertain significance for Leber congenital amaurosis type 5. Last evaluated: 2020-02-06. Review status: no assertion criteria provided. Collection method: clinical testing. Allele origin: germline. Not counted in ClinVar's aggregate classification.